The following is an entry in ClinVar:

NM_000443.4(ABCB4):c.1184A>G (p.Glu395Gly)

Gene: ABCB4 (ATP binding cassette subfamily B member 4; minus strand). Cytogenetic location: 7q21.12.
Variant type: single nucleotide variant.
Coding change: c.1184A>G on transcript NM_000443.4 (MANE Select); coding-DNA position 1184, A replaced by G.
Protein change: p.Glu395Gly; replaces glutamic acid 395 with glycine.
Molecular consequence: missense variant.
Genome position (GRCh38, 1-based): chr7:87,443,709, T>C on the plus strand (A>G on the coding strand, the complement: ABCB4 is on the minus strand). VCF-style: chr7-87443709-T-C. GRCh37 (hg19) VCF-style: chr7-87073025-T-C.
Other names: c.1184A>G, p.Glu395Gly (NM_018849.3, NM_018850.3); short protein forms E395G.
Identifiers: ClinVar variation 4846431 (VCV004846431.1).
Genomic context (GRCh38, chr7:87,443,709, plus strand): 5'-ATTACTTACAGTACCTTGACGTTAGCTCGAGAAGGGTAAGAAAAGTGAACATCATTGAAC[T>C]CCAAATTCCCTTTGATGCTGTCTGGTTTGTGTCCTCTCTCTGAAAAACTGTCAATTTTAG-3'
Protein context (NP_000434.1, residues 385-405): HKPDSIKGNL[Glu395Gly]FNDVHFSYPS

ClinVar aggregate classification (germline): Uncertain significance (1 of 4 stars; one submission).

Conditions:
Familial intrahepatic cholestasis. Identifiers: Orphanet 284385, MedGen CN296401, MONDO:0017290.

Submission:

Genomenon, Inc
Classification: Uncertain significance for Familial intrahepatic cholestasis. Last evaluated: 2026-04-14. Review status: criteria provided, single submitter. Criteria: Genomenon Sequence Variant Interpretation Standards - Updated. Collection method: curation. Allele origin: germline. Affected: yes.
Comment: ABCB4 p.Glu395Gly (c.1184A>G) is a missense variant that changes the amino acid at residue 395 from Glutamic acid to Glycine. This variant has been observed in at least one proband with an ABCB4-related disorder (PMID:11313315). It is absent or not present at a significant frequency in gnomAD. In silico models predict that this variant is possibly or probably damaging. In conclusion, we classify ABCB4 p.Glu395Gly (c.1184A>G) as a variant of uncertain significance.

Literature cited by the submitters: PubMed 11313315.